The following is an entry in ClinVar:

ClinVar aggregate classification (germline): Uncertain significance (1 of 4 stars; one submission).

gnomAD v4.1: 5 of 1,209,807 alleles (0.00041%); highest among the groups gnomAD compares: African/African-American, 0.0017%; no homozygotes.

Submission:

Ambry Genetics
Classification: Uncertain significance. Last evaluated: 2025-11-26. Review status: criteria provided, single submitter. Criteria: Ambry Variant Classification Scheme 2023. Collection method: clinical testing. Allele origin: germline.
Comment: The c.4639G>A (p.A1547T) alteration is located in exon 25 (coding exon 25) of the TENM1 gene. This alteration results from a G to A substitution at nucleotide position 4639, causing the alanine (A) at amino acid position 1547 to be replaced by a threonine (T). Based on data from gnomAD, the A allele has an overall frequency of 0.005% (1/21945) total alleles studied. The highest observed frequency was 0.009% (1/10834) of European (non-Finnish) alleles. Based on insufficient or conflicting evidence, the clinical significance of this alteration remains unclear.

NM_001163278.2(TENM1):c.4639G>A (p.Ala1547Thr)

Gene: TENM1 (teneurin transmembrane protein 1; minus strand). Cytogenetic location: Xq25.
Variant type: single nucleotide variant.
Coding change: c.4639G>A on transcript NM_001163278.2 (MANE Select); coding-DNA position 4639, G replaced by A.
Protein change: p.Ala1547Thr; replaces alanine 1547 with threonine.
Molecular consequence: missense variant.
Genome position (GRCh38, 1-based): chrX:124,420,654, C>T on the plus strand (G>A on the coding strand, the complement: TENM1 is on the minus strand). VCF-style: chrX-124420654-C-T. GRCh37 (hg19) VCF-style: chrX-123554504-C-T.
Other names: c.4636G>A, p.Ala1546Thr (NM_001163279.1); c.4618G>A, p.Ala1540Thr (NM_014253.3); short protein forms A1547T, A1540T, A1546T.
Identifiers: ClinVar variation 4593849 (VCV004593849.1).